The following is an entry in ClinVar:

ClinVar aggregate classification (germline): Uncertain significance (1 of 4 stars; one submission).

Conditions:
Primary dilated cardiomyopathy (DCM). Also called: Dilated Cardiomyopathy. Identifiers: Orphanet 217604, MedGen C0007193, MeSH D002311, MONDO:0005021, HP:0001644. Inheritance: Various modes of inheritance.

Submission:

Labcorp Genetics (formerly Invitae), Labcorp
Classification: Uncertain significance for Primary dilated cardiomyopathy. Last evaluated: 2025-01-19. Review status: criteria provided, single submitter. Criteria: Invitae Variant Classification Sherloc (09022015). Collection method: clinical testing. Allele origin: germline.
Comment: This sequence change replaces glutamic acid, which is acidic and polar, with valine, which is neutral and non-polar, at codon 25 of the NEBL protein (p.Glu25Val). This variant is not present in population databases (gnomAD no frequency). This variant has not been reported in the literature in individuals affected with NEBL-related conditions. An algorithm developed to predict the effect of missense changes on protein structure and function (PolyPhen-2) suggests that this variant is likely to be tolerated. In summary, the available evidence is currently insufficient to determine the role of this variant in disease. Therefore, it has been classified as a Variant of Uncertain Significance.

NM_006393.3(NEBL):c.74A>T (p.Glu25Val)

Gene: NEBL (nebulette; minus strand). Cytogenetic location: 10p12.31.
Variant type: single nucleotide variant.
Coding change: c.74A>T on transcript NM_006393.3 (MANE Select); coding-DNA position 74, A replaced by T.
Protein change: p.Glu25Val; replaces glutamic acid 25 with valine.
Molecular consequence: missense variant. On other transcripts: intron variant (9).
Genome position (GRCh38, 1-based): chr10:20,897,132, T>A on the plus strand (A>T on the coding strand, the complement: NEBL is on the minus strand). VCF-style: chr10-20897132-T-A. GRCh37 (hg19) VCF-style: chr10-21186061-T-A.
Other names: c.249+64540A>T (NM_001377326.1, NM_001377327.1, NM_001377328.1); c.357+64540A>T (NM_213569.2, NM_001173484.2, NM_001377322.1); c.300+64540A>T (NM_001377324.1); c.291+64540A>T (NM_001377325.1); c.309+64540A>T (NM_001377323.1); short protein forms E25V.
Identifiers: ClinVar variation 3725730 (VCV003725730.2).